The following is an entry in ClinVar:

ClinVar aggregate classification (germline): Uncertain significance (1 of 4 stars; one submission).

Conditions:
Retinitis pigmentosa 59 (RP59). Identifiers: Orphanet 791, MedGen C3151227, MONDO:0013468, OMIM 613861.

gnomAD v4.1: 1 of 1,613,518 alleles (0.000062%); highest among the groups gnomAD compares: Middle Eastern, 0.017%; no homozygotes.

Submission:

Labcorp Genetics (formerly Invitae), Labcorp
Classification: Uncertain significance for Retinitis pigmentosa 59. Last evaluated: 2025-04-09. Review status: criteria provided, single submitter. Criteria: Invitae Variant Classification Sherloc (09022015). Collection method: clinical testing. Allele origin: germline.
Comment: This sequence change replaces phenylalanine, which is neutral and non-polar, with serine, which is neutral and polar, at codon 149 of the DHDDS protein (p.Phe149Ser). This variant is not present in population databases (gnomAD no frequency). This variant has not been reported in the literature in individuals affected with DHDDS-related conditions. Invitae Evidence Modeling of protein sequence and biophysical properties (such as structural, functional, and spatial information, amino acid conservation, physicochemical variation, residue mobility, and thermodynamic stability) indicates that this missense variant is not expected to disrupt DHDDS protein function with a negative predictive value of 80%. In summary, the available evidence is currently insufficient to determine the role of this variant in disease. Therefore, it has been classified as a Variant of Uncertain Significance.

NM_205861.3(DHDDS):c.446T>C (p.Phe149Ser)

Gene: DHDDS (dehydrodolichyl diphosphate synthase subunit; plus strand). Cytogenetic location: 1p36.11.
Variant type: single nucleotide variant.
Coding change: c.446T>C on transcript NM_205861.3 (MANE Select); coding-DNA position 446, T replaced by C.
Protein change: p.Phe149Ser; replaces phenylalanine 149 with serine.
Molecular consequence: missense variant. On other transcripts: intron variant (1).
Genome position (GRCh38, 1-based): chr1:26,447,564, T>C. VCF-style: chr1-26447564-T-C. GRCh37 (hg19) VCF-style: chr1-26774055-T-C.
Other names: c.329T>C, p.Phe110Ser (NM_001243565.2); c.167T>C, p.Phe56Ser (NM_001319959.2); c.446T>C, p.Phe149Ser (NM_024887.4); c.440+1132T>C (NM_001243564.2); short protein forms F110S, F149S, F56S.
Identifiers: ClinVar variation 4803885 (VCV004803885.1).
Genomic context (GRCh38, chr1:26,447,564, plus strand): 5'-TCAATCATCAGTCCCTGTCCCCCTTTGGTAAATTATTCTCTTCTTCCCTCCTCAGGTGTT[T>C]CCTGAATGTCTGTTTTGCATACACATCCCGTCATGAGATCAGCAATGCTGTGAGAGAGAT-3'
Protein context (NP_995583.1, residues 139-159): VQATKNYNKC[Phe149Ser]LNVCFAYTSR